The following is an entry in ClinVar:

NM_020821.3(VPS13C):c.4295A>C (p.Lys1432Thr)

Gene: VPS13C (vacuolar protein sorting 13 homolog C; minus strand). Cytogenetic location: 15q22.2.
Variant type: single nucleotide variant.
Coding change: c.4295A>C on transcript NM_020821.3 (MANE Select); coding-DNA position 4295, A replaced by C.
Protein change: p.Lys1432Thr; replaces lysine 1432 with threonine.
Molecular consequence: missense variant.
Genome position (GRCh38, 1-based): chr15:61,954,425, T>G on the plus strand (A>C on the coding strand, the complement: VPS13C is on the minus strand). VCF-style: chr15-61954425-T-G. GRCh37 (hg19) VCF-style: chr15-62246624-T-G.
Other names: c.4295A>C, p.Lys1432Thr (NM_001018088.3); c.4166A>C, p.Lys1389Thr (NM_017684.5, NM_018080.4); c.4295A>C (NM_020821.2); short protein forms K1389T, K1432T.
Identifiers: ClinVar variation 1382498 (VCV001382498.6), dbSNP rs905456199, ClinGen allele CA271920755.

ClinVar aggregate classification (germline): Uncertain significance. Review status: criteria provided, multiple submitters, no conflicts (2 of 4 stars). 2 submissions from 2 submitters: Uncertain significance (2). Last evaluated 2021-12-20.

Conditions:
Inborn genetic diseases. Identifiers: MedGen C0950123, MeSH D030342.

Allele frequency attached by ClinVar (database versions not stated): gnomAD exomes below 0.00001; TOPMed 0.00003.
gnomAD v4.1: 3 of 1,603,936 alleles (0.00019%); highest among the groups gnomAD compares: Admixed American, 0.0017%; no homozygotes.

Submissions (2):

Ambry Genetics
Classification: Uncertain significance for Inborn genetic diseases. Last evaluated: 2021-12-20. Review status: criteria provided, single submitter. Criteria: Ambry Variant Classification Scheme 2023. Collection method: clinical testing. Allele origin: germline.

Labcorp Genetics (formerly Invitae), Labcorp
Classification: Uncertain significance. Last evaluated: 2021-11-05. Review status: criteria provided, single submitter. Criteria: Invitae Variant Classification Sherloc (09022015). Collection method: clinical testing. Allele origin: germline.
Comment: In summary, the available evidence is currently insufficient to determine the role of this variant in disease. Therefore, it has been classified as a Variant of Uncertain Significance. Algorithms developed to predict the effect of missense changes on protein structure and function are either unavailable or do not agree on the potential impact of this missense change (SIFT: "Tolerated"; PolyPhen-2: "Possibly Damaging"; Align-GVGD: "Class C0"). This variant has not been reported in the literature in individuals affected with VPS13C-related conditions. This variant is present in population databases (no rsID available, gnomAD no frequency). This sequence change replaces lysine, which is basic and polar, with threonine, which is neutral and polar, at codon 1432 of the VPS13C protein (p.Lys1432Thr).